The following is an entry in ClinVar:

NM_019098.5(CNGB3):c.338+1G>A

Gene: CNGB3 (cyclic nucleotide gated channel subunit beta 3; minus strand). Cytogenetic location: 8q21.3.
Variant type: single nucleotide variant.
Coding change: c.338+1G>A on transcript NM_019098.5 (MANE Select); the canonical splice donor site of the intron after coding-DNA position 338, G replaced by A.
Molecular consequence: splice donor variant.
Genome position (GRCh38, 1-based): chr8:86,726,530, C>T on the plus strand (G>A on the coding strand, the complement: CNGB3 is on the minus strand). VCF-style: chr8-86726530-C-T. GRCh37 (hg19) VCF-style: chr8-87738758-C-T.
Other names: c.338+1G>A (NM_019098.4).
Identifiers: ClinVar variation 1972066 (VCV001972066.6), dbSNP rs1348982172, ClinGen allele CA371455553.

ClinVar aggregate classification (germline): Likely pathogenic. Review status: criteria provided, multiple submitters, no conflicts (2 of 4 stars). 2 submissions from 2 submitters: Likely pathogenic (2). Last evaluated 2024-11-15.

Conditions:
Achromatopsia. Also called: Rod monochromatism. Identifiers: Orphanet 49382, MedGen C0152200, MONDO:0018852, HP:0011516.

Allele frequency attached by ClinVar (database versions not stated): gnomAD exomes below 0.00001.
gnomAD v4.1: 2 of 1,613,686 alleles (0.00012%); highest among the groups gnomAD compares: Non-Finnish European, 0.000085%; no homozygotes.

Submissions (2):

Natera, Inc.
Classification: Likely pathogenic for Achromatopsia. Last evaluated: 2024-11-15. Review status: criteria provided, single submitter. Criteria: Natera Variant Classification Schema (03/2026). Collection method: clinical testing. Allele origin: germline.
Comment: The c.338+1G>A variant in CNGB3 is a canonical splice donor site variant predicted to affect pre-mRNA splicing, which may result in an abnormal transcript and altered protein product. This variant is expected to result in nonsense mediated decay, truncation, or a dysfunctional protein product. This variant is rare in the general population with a frequency below the threshold expected for the associated phenotype(s). Given the available evidence, this variant is classified as Likely Pathogenic.

Labcorp Genetics (formerly Invitae), Labcorp
Classification: Likely pathogenic. Last evaluated: 2023-08-25. Review status: criteria provided, single submitter. Criteria: Invitae Variant Classification Sherloc (09022015). Collection method: clinical testing. Allele origin: germline.
Comment: This sequence change affects a donor splice site in intron 3 of the CNGB3 gene. It is expected to disrupt RNA splicing. Variants that disrupt the donor or acceptor splice site typically lead to a loss of protein function (PMID: 16199547), and loss-of-function variants in CNGB3 are known to be pathogenic (PMID: 28795510). This variant is present in population databases (no rsID available, gnomAD no frequency). This variant has not been reported in the literature in individuals affected with CNGB3-related conditions. ClinVar contains an entry for this variant (Variation ID: 1972066). Algorithms developed to predict the effect of sequence changes on RNA splicing suggest that this variant may disrupt the consensus splice site. In summary, the currently available evidence indicates that the variant is pathogenic, but additional data are needed to prove that conclusively. Therefore, this variant has been classified as Likely Pathogenic.

Literature cited by the submitters: PubMed 16199547 (cited by Labcorp Genetics (formerly Invitae), Labcorp); PubMed 28795510 (cited by Labcorp Genetics (formerly Invitae), Labcorp).